The following is an entry in ClinVar:

NM_000465.4(BARD1):c.1255_1256del (p.Asn419fs)

Gene: BARD1 (BRCA1 associated RING domain 1; minus strand). Cytogenetic location: 2q35.
Variant type: Deletion.
Coding change: c.1255_1256del on transcript NM_000465.4 (MANE Select); coding-DNA positions 1255 to 1256, 2 bases deleted (AA; older notation c.1255_1256delAA).
Protein change: p.Asn419fs; shifts the reading frame from asparagine 419.
Molecular consequence: frameshift variant. On other transcripts: non-coding transcript variant (2), intron variant (3).
Genome position (GRCh38, 1-based): chr2:214,780,618-214,780,619, TT deleted on the plus strand (AA on the coding strand, the reverse complement: BARD1 is on the minus strand). VCF-style (leftmost placement, unchanged base first): chr2-214780617-ATT-A. GRCh37 (hg19) VCF-style: chr2-215645341-ATT-A.
Other names: c.1198_1199del, p.Asn400fs (NM_001282543.2); c.159-28064_159-28063del (NM_001282548.2); c.215+16442_215+16443del (NM_001282545.2); c.364+11678_364+11679del (NM_001282549.2); short protein forms N400fs, N419fs.
Identifiers: ClinVar variation 2583642 (VCV002583642.2), dbSNP rs2469501357, ClinGen allele CA2582342088.

ClinVar aggregate classification (germline): Pathogenic (1 of 4 stars; one submission).

Conditions:
Familial cancer of breast. Also called: Hereditary breast cancer; BREAST CANCER, FAMILIAL; hereditary breast carcinoma. Identifiers: Orphanet 227535, MedGen C0346153, MONDO:0016419, OMIM 114480. Disease mechanism: loss of function.

Submission:

Myriad Genetics, Inc.
Classification: Pathogenic for Familial cancer of breast. Last evaluated: 2023-05-22. Review status: criteria provided, single submitter. Criteria: Myriad Autosomal Dominant, Autosomal Recessive and X-Linked Classification Criteria (2023). Collection method: clinical testing. Allele origin: unknown.
Comment: This variant is considered pathogenic. This variant creates a frameshift predicted to result in premature protein truncation.